The following is an entry in ClinVar:

NM_000548.5(TSC2):c.4662+9G>A

Gene: TSC2 (TSC complex subunit 2; plus strand). Cytogenetic location: 16p13.3.
Variant type: single nucleotide variant.
Coding change: c.4662+9G>A on transcript NM_000548.5 (MANE Select); 9 bases into the intron after coding-DNA position 4662, G replaced by A.
Molecular consequence: intron variant.
Genome position (GRCh38, 1-based): chr16:2,085,331, G>A. VCF-style: chr16-2085331-G-A. GRCh37 (hg19) VCF-style: chr16-2135332-G-A.
Other names: c.4593+9G>A (NM_001114382.3); c.4533+9G>A (NM_021055.3, NM_001370405.1); c.4464+9G>A (NM_001363528.2); c.4530+9G>A (NM_001370404.1); c.4461+9G>A (NM_001077183.3); c.4353+9G>A (NM_001318827.2); c.3930+9G>A (NM_001318831.2); c.4317+9G>A (NM_001318829.2); and 1 more.
Identifiers: ClinVar variation 1671222 (VCV001671222.9), dbSNP rs2151554223, ClinGen allele CA2573151930.

ClinVar aggregate classification (germline): Likely benign. Review status: criteria provided, multiple submitters, no conflicts (2 of 4 stars). 2 submissions from 2 submitters: Likely benign (2). Last evaluated 2025-06-04.

Conditions:
Tuberous sclerosis 2 (TSC2). Identifiers: Orphanet 805, MedGen C1860707, MONDO:0013199, OMIM 613254.

Submissions (2):

Myriad Genetics, Inc.
Classification: Likely benign for Tuberous sclerosis 2. Last evaluated: 2025-06-04. Review status: criteria provided, single submitter. Criteria: Myriad Autosomal Dominant, Autosomal Recessive and X-Linked Classification Criteria (2023). Collection method: clinical testing. Allele origin: unknown.
Comment: This variant is considered likely benign. This variant is intronic and is not expected to impact mRNA splicing.

Labcorp Genetics (formerly Invitae), Labcorp
Classification: Likely benign for Tuberous sclerosis 2. Last evaluated: 2024-09-25. Review status: criteria provided, single submitter. Criteria: Invitae Variant Classification Sherloc (09022015). Collection method: clinical testing. Allele origin: germline.